The following is an entry in ClinVar:

ClinVar aggregate classification (germline): Uncertain significance (1 of 4 stars; one submission).

Submission:

Mayo Clinic Laboratories, Mayo Clinic
Classification: Uncertain significance. Last evaluated: 2025-05-06. Review status: criteria provided, single submitter. Criteria: ACMG Guidelines, 2015. Collection method: clinical testing. Allele origin: germline. Observed: 2 variant alleles.
Comment: BP4, PM2_supporting

NR_023317.1(RNU7-1):n.8dup

Genes: C12orf57 (chromosome 12 open reading frame 57; plus strand), RNU7-1 (RNA, U7 small nuclear 1; plus strand). Cytogenetic location: 12p13.31.
Variant type: Duplication.
Molecular consequence: non-coding transcript variant (on NR_023317.1). On other transcripts: intron variant (2).
Genome position: GRCh38 VCF-style: chr12-6943822-T-TA. GRCh37 (hg19) VCF-style: chr12-7052985-T-TA.
Other names: c.13+161dup (NM_001301836.2); c.-16+161dup (NM_001301834.1).
Identifiers: ClinVar variation 4541692 (VCV004541692.1).